The following is an entry in ClinVar:

NM_001276345.2(TNNT2):c.552G>T (p.Lys184Asn)

Gene: TNNT2 (troponin T2, cardiac type; minus strand). Cytogenetic location: 1q32.1.
Variant type: single nucleotide variant.
Coding change: c.552G>T on transcript NM_001276345.2 (MANE Select); coding-DNA position 552, G replaced by T.
Protein change: p.Lys184Asn; replaces lysine 184 with asparagine.
Molecular consequence: missense variant.
Genome position (GRCh38, 1-based): chr1:201,363,344, C>A on the plus strand (G>T on the coding strand, the complement: TNNT2 is on the minus strand). VCF-style: chr1-201363344-C-A. GRCh37 (hg19) VCF-style: chr1-201332472-C-A.
Other names: c.552G>T, p.Lys184Asn (NM_000364.4); c.522G>T, p.Lys174Asn (NM_001001430.3, NM_001001431.3, NM_001276347.2); c.507G>T, p.Lys169Asn (NM_001001432.3); c.432G>T, p.Lys144Asn (NM_001276346.2); short protein forms K174N, K184N, K144N, K169N.
Identifiers: ClinVar variation 626365 (VCV000626365.4), dbSNP rs566113559, ClinGen allele CA344204400.

ClinVar aggregate classification (germline): Uncertain significance. Review status: criteria provided, multiple submitters, no conflicts (2 of 4 stars). 2 submissions from 2 submitters: Uncertain significance (2). Last evaluated 2024-11-14.

Conditions:
Cardiomyopathy (CMYO). Also called: Cardiomyopathies. Identifiers: Orphanet 167848, MedGen C0878544, MONDO:0004994, HP:0001638. Inheritance: Various modes of inheritance.
Cardiovascular phenotype. Identifiers: MedGen CN230736.

Submissions (2):

Ambry Genetics
Classification: Uncertain significance for Cardiovascular phenotype. Last evaluated: 2024-11-14. Review status: criteria provided, single submitter. Criteria: Ambry Variant Classification Scheme 2023. Collection method: clinical testing. Allele origin: germline.
Comment: The p.K174N variant (also known as c.522G>T), located in coding exon 10 of the TNNT2 gene, results from a G to T substitution at nucleotide position 522. The lysine at codon 174 is replaced by asparagine, an amino acid with similar properties. This variant has been detected in a non-compaction cardiomyopathy cohort (van Waning JI et al. J Am Coll Cardiol, 2018 Feb;71:711-722). This amino acid position is highly conserved in available vertebrate species. In addition, the in silico prediction for this alteration is inconclusive. Based on the available evidence, the clinical significance of this variant remains unclear.

CHEO Genetics Diagnostic Laboratory, Children's Hospital of Eastern Ontario
Classification: Uncertain significance for Cardiomyopathy. Last evaluated: 2022-11-17. Review status: criteria provided, single submitter. Criteria: ACMG Guidelines, 2015. Collection method: clinical testing. Allele origin: germline. Study: Canadian Open Genetics Repository.

Literature cited by the submitters: PubMed 29447731 (cited by Ambry Genetics).